The following is an entry in ClinVar:

ClinVar aggregate classification (germline): Uncertain significance. Review status: reviewed by expert panel (3 of 4 stars). 2 submissions from 2 submitters: Uncertain significance (1). 1 of the submissions does not count toward it. Last evaluated 2025-02-25.

Conditions:
Hereditary thrombocytopenia and hematologic cancer predisposition syndrome. Identifiers: Orphanet 71290, MedGen CN281654, MONDO:0011071.
Acute myeloid leukemia (AML). Also called: Acute myeloid leukemia, adult; AML adult; Acute non-lymphocytic leukemia; Acute granulocytic leukemia; Leukemia, acute myeloid, somatic; Leukemia, acute myelogenous, somatic. Identifiers: Orphanet 519, MedGen C0023467, MeSH D015470, MONDO:0018874, OMIM 601626, HP:0004808. Disease mechanism: Constitutively activated FLT3.

Submissions (2):

ClinGen Myeloid Malignancy Variant Curation Expert Panel
Classification: Uncertain significance for Hereditary thrombocytopenia and hematologic cancer predisposition syndrome. Last evaluated: 2025-02-25. Review status: reviewed by expert panel. Criteria: ClinGen MyeloMalig ACMG Specifications v2. Collection method: curation. Allele origin: germline. Inheritance: Autosomal dominant inheritance.
Comment: NM_001754.5(RUNX1):c.76A>C (p.Asn26His) is a missense variant which has a REVEL score < 0.50 (0.319) and a SpliceAI score ≤ 0.20 (0.04) (BP4). This variant is completely absent from all population databases with at least 20x coverage for RUNX1 (PM2_Supporting). In summary, the clinical significance of this variant is uncertain. ACMG/AMP criteria applied, as specified by the Myeloid Malignancy Variant Curation Expert Panel for RUNX1: BP4, PM2_Supporting

Baylor Genetics
Classification: Uncertain significance for Acute myeloid leukemia. Last evaluated: 2023-11-26. Review status: criteria provided, single submitter. Criteria: ACMG Guidelines, 2015. Collection method: clinical testing. Allele origin: unknown. Not counted in ClinVar's aggregate classification.

NM_001754.5(RUNX1):c.76A>C (p.Asn26His)

Gene: RUNX1 (RUNX family transcription factor 1; minus strand). Cytogenetic location: 21q22.12.
Variant type: single nucleotide variant.
Coding change: c.76A>C on transcript NM_001754.5 (MANE Select); coding-DNA position 76, A replaced by C.
Protein change: p.Asn26His; replaces asparagine 26 with histidine.
Molecular consequence: missense variant.
Genome position (GRCh38, 1-based): chr21:34,892,946, T>G on the plus strand (A>C on the coding strand, the complement: RUNX1 is on the minus strand). VCF-style: chr21-34892946-T-G. GRCh37 (hg19) VCF-style: chr21-36265243-T-G.
Other names: NM_001754.5(RUNX1):c.76A>C; p.Asn26His; short protein forms N26H.
Identifiers: ClinVar variation 3240389 (VCV003240389.2), dbSNP rs2517536154.